The following is an entry in ClinVar:

NM_014055.4(IFT81):c.760G>T (p.Ala254Ser)

Gene: IFT81 (intraflagellar transport 81; plus strand). Cytogenetic location: 12q24.11.
Variant type: single nucleotide variant.
Coding change: c.760G>T on transcript NM_014055.4 (MANE Select); coding-DNA position 760, G replaced by T.
Protein change: p.Ala254Ser; replaces alanine 254 with serine.
Molecular consequence: missense variant. On other transcripts: 5 prime UTR variant (2), non-coding transcript variant (4).
Genome position (GRCh38, 1-based): chr12:110,136,839, G>T. VCF-style: chr12-110136839-G-T. GRCh37 (hg19) VCF-style: chr12-110574644-G-T.
Other names: c.760G>T, p.Ala254Ser (NM_001143779.2, NM_001347946.2, NM_031473.4); c.-7G>T (NM_001347947.2, NM_001347948.2); short protein forms A254S.
Identifiers: ClinVar variation 846497 (VCV000846497.8), dbSNP rs1363967035, ClinGen allele CA386910633.
Genomic context (GRCh38, chr12:110,136,839, plus strand): 5'-TTTCATGCAGTGCAAAGATTGCAAAGAGTACAAAACCAGCTGAAAAGCATGCGCCAAGCT[G>T]CAGCAGATGCAAAGCCTGAAAGTAAGTGGAAATTATTATATGGTATAGATGATTAGAAAA-3'
Protein context (NP_054774.2, residues 244-264): QNQLKSMRQA[Ala254Ser]ADAKPESLMK

ClinVar aggregate classification (germline): Uncertain significance. Review status: criteria provided, multiple submitters, no conflicts (2 of 4 stars). 2 submissions from 2 submitters: Uncertain significance (2). Last evaluated 2025-08-29.

Conditions:
Inborn genetic diseases. Identifiers: MedGen C0950123, MeSH D030342.

Allele frequency attached by ClinVar (database versions not stated): TOPMed below 0.00001.

Submissions (2):

Ambry Genetics
Classification: Uncertain significance for Inborn genetic diseases. Last evaluated: 2025-08-29. Review status: criteria provided, single submitter. Criteria: Ambry Variant Classification Scheme 2023. Collection method: clinical testing. Allele origin: germline.

Labcorp Genetics (formerly Invitae), Labcorp
Classification: Uncertain significance. Last evaluated: 2022-10-17. Review status: criteria provided, single submitter. Criteria: Invitae Variant Classification Sherloc (09022015). Collection method: clinical testing. Allele origin: germline.
Comment: This sequence change replaces alanine, which is neutral and non-polar, with serine, which is neutral and polar, at codon 254 of the IFT81 protein (p.Ala254Ser). This variant is not present in population databases (gnomAD no frequency). This variant has not been reported in the literature in individuals affected with IFT81-related conditions. ClinVar contains an entry for this variant (Variation ID: 846497). Advanced modeling of protein sequence and biophysical properties (such as structural, functional, and spatial information, amino acid conservation, physicochemical variation, residue mobility, and thermodynamic stability) performed at Invitae indicates that this missense variant is not expected to disrupt IFT81 protein function. In summary, the available evidence is currently insufficient to determine the role of this variant in disease. Therefore, it has been classified as a Variant of Uncertain Significance.